The following is an entry in ClinVar:

ClinVar aggregate classification (germline): Uncertain significance. Review status: criteria provided, multiple submitters, no conflicts (2 of 4 stars). 2 submissions from 2 submitters: Uncertain significance (2). Last evaluated 2022-01-24.

Conditions:
Von Hippel-Lindau syndrome (VHLS). Also called: von Hippel–Lindau syndrome; VHL syndrome; Von Hippel-Lindau. Identifiers: Orphanet 892, MedGen C0019562, MONDO:0008667, OMIM 193300. Disease mechanism: loss of function.
Chuvash polycythemia. Also called: POLYCYTHEMIA, VHL-DEPENDENT. Identifiers: Orphanet 238557, MedGen C1837915, MONDO:0009892, OMIM 263400.

Submissions (2):

GeneDx
Classification: Uncertain significance. Last evaluated: 2022-01-24. Review status: criteria provided, single submitter. Criteria: GeneDx Variant Classification Process June 2021. Collection method: clinical testing. Allele origin: germline. Affected: yes.
Comment: Frameshift variant in a gene for which a downstream in-frame ATG produces an alternate clinically-relevant isoform, pVHL19, that may result in a functional protein (Iliopoulos 1998, Schoenfeld 1998, Blankenship 1999); Not observed at significant frequency in large population cohorts (gnomAD); Has not been previously published as pathogenic or benign to our knowledge; This variant is associated with the following publications: (PMID: 10102622, 9751722, 9671762)

Labcorp Genetics (formerly Invitae), Labcorp
Classification: Uncertain significance for Von Hippel-Lindau syndrome; Chuvash polycythemia. Last evaluated: 2021-07-28. Review status: criteria provided, single submitter. Criteria: Invitae Variant Classification Sherloc (09022015). Collection method: clinical testing. Allele origin: germline.
Comment: Several studies have shown that the VHL protein created from a downstream methionine located at codon 54 is biologically active, and exhibits properties similar to the full-length, wild-type protein (PMID: 9671762, 9751722). In summary, the available evidence is currently insufficient to determine the role of this variant in disease. Therefore, it has been classified as a Variant of Uncertain Significance. This variant has not been reported in the literature in individuals affected with VHL-related conditions. The frequency data for this variant in the population databases is considered unreliable, as metrics indicate insufficient coverage at this position in the ExAC database. This sequence change creates a premature translational stop signal (p.Ser33Argfs*34) in the VHL gene. It is unclear whether it will result in an absent or disrupted protein product because an in-frame methionine located at codon 54 has the potential to rescue this variant.

Literature cited by the submitters: PubMed 9671762 (cited by Labcorp Genetics (formerly Invitae), Labcorp); PubMed 9751722 (cited by Labcorp Genetics (formerly Invitae), Labcorp).

NM_000551.4(VHL):c.97del (p.Ser33fs)

Gene: VHL (von Hippel-Lindau tumor suppressor; plus strand). Cytogenetic location: 3p25.3.
Variant type: Deletion.
Coding change: c.97del on transcript NM_000551.4 (MANE Select); coding-DNA position 97, one base deleted (T; older notation c.97delT).
Protein change: p.Ser33fs; shifts the reading frame from serine 33.
Molecular consequence: frameshift variant.
Genome position (GRCh38, 1-based): chr3:10,141,944, T deleted. VCF-style (leftmost placement, unchanged base first): chr3-10141943-GT-G. GRCh37 (hg19) VCF-style: chr3-10183627-GT-G.
Other names: c.97del, p.Ser33fs (NM_001354723.2, NM_198156.3); short protein forms S33fs.
Identifiers: ClinVar variation 1421024 (VCV001421024.7), dbSNP rs2125124691, ClinGen allele CA2573136080.
Genomic context (GRCh38, chr3:10,141,943, plus strand): 5'-GGTAGGCGCGGAGGAGGCAGGCGTCGAAGAGTACGGCCCTGAAGAAGACGGCGGGGAGGA[GT>G]CGGGCGCCGAGGAGTCCGGCCCGGAAGAGTCCGGCCCGGAGGAACTGGGCGCCGAGGAGG-3'